The following is an entry in ClinVar:

ClinVar aggregate classification (germline): Benign/Likely benign. Review status: criteria provided, multiple submitters, no conflicts (2 of 4 stars). 5 submissions from 5 submitters: Benign (1); Likely benign (4). Last evaluated 2026-08-28.

Conditions:
HOXB1-related disorder. Also called: HOXB1-related condition.

Allele frequency attached by ClinVar (database versions not stated): 1000 Genomes Project 0.00200; 1000 Genomes Project 30x 0.00234; TOPMed 0.00271; gnomAD 0.00305 and 0.00309; gnomAD exomes 0.00336 and 0.00426; ExAC 0.00352; ESP Exome Variant Server 0.00415.

Submissions (5):

PreventionGenetics, part of Exact Sciences
Classification: Likely benign for HOXB1-related condition. Last evaluated: 2026-08-28. Review status: criteria provided, single submitter. Criteria: ACMG Guidelines, 2015. Collection method: clinical testing. Allele origin: germline.
Comment: This variant is classified as likely benign based on ACMG/AMP sequence variant interpretation guidelines (Richards et al. 2015 PMID: 25741868, with internal and published modifications).

CeGaT Center for Human Genetics Tuebingen
Classification: Likely benign. Last evaluated: 2025-10-01. Review status: criteria provided, single submitter. Criteria: CeGaT Center For Human Genetics Tuebingen Variant Classification Criteria Version 2. Collection method: clinical testing. Allele origin: germline. Affected: yes. Observed: 6 variant alleles.
Comment: HOXB1: BP4, BS2

Blueprint Genetics
Classification: Likely benign. Last evaluated: 2024-11-27. Review status: criteria provided, single submitter. Criteria: ACMG Guidelines, 2015. Collection method: clinical testing. Allele origin: germline.

Labcorp Genetics (formerly Invitae), Labcorp
Classification: Benign. Last evaluated: 2019-12-31. Review status: criteria provided, single submitter. Criteria: Invitae Variant Classification Sherloc (09022015). Collection method: clinical testing. Allele origin: germline.

Breakthrough Genomics
Classification: Likely benign. Review status: criteria provided, single submitter. Criteria: ACMG Guidelines, 2015. Collection method: not provided. Allele origin: germline. Inheritance: Autosomal recessive inheritance. Affected: yes.

NM_002144.4(HOXB1):c.702G>A (p.Val234=)

Gene: HOXB1 (homeobox B1; minus strand). Cytogenetic location: 17q21.32.
Variant type: single nucleotide variant.
Coding change: c.702G>A on transcript NM_002144.4 (MANE Select); coding-DNA position 702, G replaced by A.
Protein change: p.Val234=; no amino-acid change (valine 234 retained).
Molecular consequence: synonymous variant.
Genome position (GRCh38, 1-based): chr17:48,529,751, C>T on the plus strand (G>A on the coding strand, the complement: HOXB1 is on the minus strand). VCF-style: chr17-48529751-C-T. GRCh37 (hg19) VCF-style: chr17-46607113-C-T.
Identifiers: ClinVar variation 701967 (VCV000701967.41), dbSNP rs35115415, ClinGen allele CA8631683.
Genomic context (GRCh38, chr17:48,529,751, plus strand): 5'-TCGGTTCTGGAACCAAATCTTGACCTGTGTTTCATTGAGCTCCAGGGTGGCGGCAATCTC[C>T]ACCCTCCGGGCCCGGCTCAGGTACTTGTTGAAATGGAACTCCTTTTCCAGTTCTGTCAGC-3'
Protein context (NP_002135.2, residues 224-244): FNKYLSRARR[Val234=]EIAATLELNE